The following is an entry in ClinVar:

NM_032119.4(ADGRV1):c.6317C>T (p.Ala2106Val)

Gene: ADGRV1 (adhesion G protein-coupled receptor V1; plus strand). Cytogenetic location: 5q14.3.
Variant type: single nucleotide variant.
Coding change: c.6317C>T on transcript NM_032119.4 (MANE Select); coding-DNA position 6317, C replaced by T.
Protein change: p.Ala2106Val; replaces alanine 2106 with valine.
Molecular consequence: missense variant. On other transcripts: non-coding transcript variant (1).
Genome position (GRCh38, 1-based): chr5:90,685,822, C>T. VCF-style: chr5-90685822-C-T. GRCh37 (hg19) VCF-style: chr5-89981639-C-T.
Other names: short protein forms A2106V.
Identifiers: ClinVar variation 46351 (VCV000046351.68), dbSNP rs186999408, ClinGen allele CA138173.

ClinVar aggregate classification (germline): Conflicting classifications of pathogenicity. Review status: criteria provided, conflicting classifications (1 of 4 stars). 12 submissions from 12 submitters: Uncertain significance (2); Benign (4); Likely benign (2). 4 of the submissions do not count toward it. Last evaluated 2026-02-02.

Conditions:
ADGRV1-related disorder. Also called: ADGRV1-related condition; ADGRV1-related disorders.
Usher syndrome type 2C. Also called: Usher syndrome, type 2B; USHER SYNDROME, TYPE IIC. Identifiers: Orphanet 231178, Orphanet 886, MedGen C2931213, MONDO:0011558, OMIM 605472.

Allele frequency attached by ClinVar (database versions not stated): gnomAD exomes 0.00145; ExAC 0.00162; 1000 Genomes Project 0.00180; 1000 Genomes Project 30x 0.00219; gnomAD 0.00258 and 0.00271; TOPMed 0.00273; ESP Exome Variant Server 0.00356.
gnomAD v4.1: 2,999 of 1,611,320 alleles (0.19%); highest among the groups gnomAD compares: African/African-American, 0.57%; 6 homozygotes.

Submissions (12):

Labcorp Genetics (formerly Invitae), Labcorp
Classification: Likely benign. Last evaluated: 2026-02-02. Review status: criteria provided, single submitter. Criteria: Invitae Variant Classification Sherloc (09022015). Collection method: clinical testing. Allele origin: germline.

Athena Diagnostics
Classification: Benign. Last evaluated: 2024-12-27. Review status: criteria provided, single submitter. Criteria: Athena Diagnostics Criteria. Collection method: clinical testing. Allele origin: unknown.
Comment: The frequency of this variant in the general population is higher than would generally be expected for pathogenic variants in this gene.

Blueprint Genetics
Classification: Likely benign. Last evaluated: 2024-11-25. Review status: criteria provided, single submitter. Criteria: ACMG Guidelines, 2015. Collection method: clinical testing. Allele origin: germline.

CeGaT Center for Human Genetics Tuebingen
Classification: Uncertain significance. Last evaluated: 2021-05-01. Review status: criteria provided, single submitter. Criteria: CeGaT Center For Human Genetics Tuebingen Variant Classification Criteria Version 2. Collection method: clinical testing. Allele origin: germline. Affected: yes. Observed: 2 variant alleles.

GeneDx
Classification: Benign. Last evaluated: 2019-03-25. Review status: criteria provided, single submitter. Criteria: GeneDx Variant Classification Process June 2021. Collection method: clinical testing. Allele origin: germline. Affected: yes.
Comment: This variant is associated with the following publications: (PMID: 22135276)

Illumina Laboratory Services, Illumina
Classification: Uncertain significance for Usher syndrome type 2C. Last evaluated: 2018-01-13. Review status: criteria provided, single submitter. Criteria: ICSL Variant Classification Criteria 13 December 2019. Collection method: clinical testing. Allele origin: germline.

Eurofins Ntd Llc (ga)
Classification: Benign. Last evaluated: 2014-06-06. Review status: criteria provided, single submitter. Criteria: EGL Classification Definitions 2015. Collection method: clinical testing. Allele origin: germline. Observed: 1 variant allele, 1 heterozygote.

Laboratory for Molecular Medicine, Mass General Brigham Personalized Medicine
Classification: Benign. Last evaluated: 2012-04-30. Review status: criteria provided, single submitter. Criteria: LMM Criteria. Collection method: clinical testing. Allele origin: germline. Observed: 4 variant alleles.
Comment: Ala2106Val in Exon 29 of GPR98: This variant is not expected to have clinical si gnificance because it has been identified in 0.7% (22/3118) of African American chromosomes from a broad population by the NHLBI Exome Sequencing Project.

PreventionGenetics, part of Exact Sciences
Classification: Likely benign for ADGRV1-related condition. Last evaluated: 2020-02-27. Review status: no assertion criteria provided. Collection method: clinical testing. Allele origin: germline. Not counted in ClinVar's aggregate classification.
Comment: This variant is classified as likely benign based on ACMG/AMP sequence variant interpretation guidelines (Richards et al. 2015 PMID: 25741868, with internal and published modifications).

Clinical Genetics DNA and cytogenetics Diagnostics Lab, Erasmus MC, Erasmus Medical Center
Classification: Likely benign. Review status: no assertion criteria provided. Collection method: clinical testing. Allele origin: germline. Affected: yes. Study: VKGL Data-share Consensus. Not counted in ClinVar's aggregate classification.

Clinical Genetics, Academic Medical Center
Classification: Likely benign. Review status: no assertion criteria provided. Collection method: clinical testing. Allele origin: germline. Affected: yes. Study: VKGL Data-share Consensus. Not counted in ClinVar's aggregate classification.

Genome Diagnostics Laboratory, University Medical Center Utrecht
Classification: Likely benign. Review status: no assertion criteria provided. Collection method: clinical testing. Allele origin: germline. Affected: yes. Study: VKGL Data-share Consensus. Not counted in ClinVar's aggregate classification.

Literature cited by the submitters: PubMed 35106950 (cited by Athena Diagnostics); PubMed 22135276 (cited by Athena Diagnostics and Eurofins Ntd Llc (ga)).